The following is an entry in ClinVar:

NM_014000.3(VCL):c.1031G>C (p.Gly344Ala)

Gene: VCL (vinculin; plus strand). Cytogenetic location: 10q22.2.
Variant type: single nucleotide variant.
Coding change: c.1031G>C on transcript NM_014000.3 (MANE Select); coding-DNA position 1031, G replaced by C.
Protein change: p.Gly344Ala; replaces glycine 344 with alanine.
Molecular consequence: missense variant.
Genome position (GRCh38, 1-based): chr10:74,089,204, G>C. VCF-style: chr10-74089204-G-C. GRCh37 (hg19) VCF-style: chr10-75848962-G-C.
Other names: c.1031G>C, p.Gly344Ala (NM_003373.4); short protein forms G344A.
Identifiers: ClinVar variation 408944 (VCV000408944.13), dbSNP rs778875353, ClinGen allele CA5562917.

ClinVar aggregate classification (germline): Uncertain significance. Review status: criteria provided, multiple submitters, no conflicts (2 of 4 stars). 4 submissions from 4 submitters: Uncertain significance (4). Last evaluated 2026-04-28.

Conditions:
VCL-related disorder. Also called: VCL-related condition.
Hypertrophic cardiomyopathy 15. Identifiers: MedGen C2750459, MONDO:0013200, OMIM 613255.
Dilated cardiomyopathy 1W (CMD1W). Identifiers: Orphanet 154, MedGen C1969639, MONDO:0012667, OMIM 611407.

Allele frequency attached by ClinVar (database versions not stated): TOPMed 0.00001; gnomAD 0.00002; ExAC 0.00003.
gnomAD v4.1: 37 of 1,613,942 alleles (0.0023%); highest among the groups gnomAD compares: Non-Finnish European, 0.0029%; no homozygotes.

Submissions (4):

PreventionGenetics, part of Exact Sciences
Classification: Uncertain significance for VCL-related condition. Last evaluated: 2026-04-28. Review status: criteria provided, single submitter. Criteria: ACMG Guidelines, 2015. Collection method: clinical testing. Allele origin: germline.
Comment: The VCL c.1031G>C variant is predicted to result in the amino acid substitution p.Gly344Ala. To our knowledge, this variant has not been reported in the literature. This variant is reported in 0.0053% of alleles in individuals of European (Non-Finnish) descent in gnomAD. At this time, the clinical significance of this variant is uncertain due to the absence of conclusive functional and genetic evidence.

Labcorp Genetics (formerly Invitae), Labcorp
Classification: Uncertain significance for Dilated cardiomyopathy 1W. Last evaluated: 2025-12-16. Review status: criteria provided, single submitter. Criteria: Invitae Variant Classification Sherloc (09022015). Collection method: clinical testing. Allele origin: germline.
Comment: This sequence change replaces glycine, which is neutral and non-polar, with alanine, which is neutral and non-polar, at codon 344 of the VCL protein (p.Gly344Ala). This variant is present in population databases (rs778875353, gnomAD 0.005%). This variant has not been reported in the literature in individuals affected with VCL-related conditions. ClinVar contains an entry for this variant (Variation ID: 408944). An algorithm developed to predict the effect of missense changes on protein structure and function (PolyPhen-2) suggests that this variant is likely to be disruptive. In summary, the available evidence is currently insufficient to determine the role of this variant in disease. Therefore, it has been classified as a Variant of Uncertain Significance.

GeneDx
Classification: Uncertain significance. Last evaluated: 2022-03-30. Review status: criteria provided, single submitter. Criteria: GeneDx Variant Classification Process June 2021. Collection method: clinical testing. Allele origin: germline. Affected: yes.
Comment: Has not been previously published as pathogenic or benign to our knowledge; In silico analysis supports that this missense variant does not alter protein structure/function

Fulgent Genetics
Classification: Uncertain significance for Dilated cardiomyopathy 1W; Hypertrophic cardiomyopathy 15. Last evaluated: 2021-10-11. Review status: criteria provided, single submitter. Criteria: ACMG Guidelines, 2015. Collection method: clinical testing. Allele origin: unknown.